The following is an entry in ClinVar:

ClinVar aggregate classification (germline): Uncertain significance. Review status: criteria provided, multiple submitters, no conflicts (2 of 4 stars). 2 submissions from 2 submitters: Uncertain significance (2). Last evaluated 2025-01-24.

Conditions:
Symmetrical dyschromatosis of extremities (DSH). Also called: DYSCHROMATOSIS SYMMETRICA HEREDITARIA 1; Dyschromatosis symmetrica hereditaria; RETICULATE ACROPIGMENTATION OF DOHI; SYMMETRIC DYSCHROMATOSIS OF THE EXTREMITIES. Identifiers: Orphanet 41, MedGen C0406775, MONDO:0007483, OMIM 127400.
Aicardi-Goutieres syndrome 6 (AGS6). Identifiers: Orphanet 51, MedGen C3539013, MONDO:0014007, OMIM 615010.

Allele frequency attached by ClinVar (database versions not stated): gnomAD exomes below 0.00001.

Submissions (2):

GeneDx
Classification: Uncertain significance. Last evaluated: 2025-01-24. Review status: criteria provided, single submitter. Criteria: GeneDx Variant Classification Process June 2021. Collection method: clinical testing. Allele origin: germline. Affected: yes.
Comment: Reported in association with dyschromatosis symmetrica hereditaria (PMID: 20430589, 29536976); however, detailed clinical information was not provided; Also reported in the compound heterozygous state with the p.(P193A) variant in a patient referred for genetic testing for dystonia (PMID: 31737037); Not observed at significant frequency in large population cohorts (gnomAD); In silico analysis supports that this missense variant has a deleterious effect on protein structure/function; This variant is associated with the following publications: (PMID: 29536976, 20430589, 31737037)

Labcorp Genetics (formerly Invitae), Labcorp
Classification: Uncertain significance for Aicardi-Goutieres syndrome 6; Symmetrical dyschromatosis of extremities. Last evaluated: 2023-01-09. Review status: criteria provided, single submitter. Criteria: Invitae Variant Classification Sherloc (09022015). Collection method: clinical testing. Allele origin: germline.
Comment: In summary, the available evidence is currently insufficient to determine the role of this variant in disease. Therefore, it has been classified as a Variant of Uncertain Significance. Algorithms developed to predict the effect of missense changes on protein structure and function (SIFT, PolyPhen-2, Align-GVGD) all suggest that this variant is likely to be disruptive. This sequence change replaces proline, which is neutral and non-polar, with leucine, which is neutral and non-polar, at codon 965 of the ADAR protein (p.Pro965Leu). This variant is not present in population databases (gnomAD no frequency). This missense change has been observed in individual(s) with autosomal dominant dyschromatosis symmetrica hereditaria (PMID: 20430589, 29536976). ClinVar contains an entry for this variant (Variation ID: 1723840).

Literature cited by the submitters: PubMed 20430589 (cited by Labcorp Genetics (formerly Invitae), Labcorp); PubMed 29536976 (cited by Labcorp Genetics (formerly Invitae), Labcorp).

NM_001111.5(ADAR):c.2894C>T (p.Pro965Leu)

Gene: ADAR (adenosine deaminase RNA specific; minus strand). Cytogenetic location: 1q21.3.
Variant type: single nucleotide variant.
Coding change: c.2894C>T on transcript NM_001111.5 (MANE Select); coding-DNA position 2894, C replaced by T.
Protein change: p.Pro965Leu; replaces proline 965 with leucine.
Molecular consequence: missense variant.
Genome position (GRCh38, 1-based): chr1:154,588,250, G>A on the plus strand (C>T on the coding strand, the complement: ADAR is on the minus strand). VCF-style: chr1-154588250-G-A. GRCh37 (hg19) VCF-style: chr1-154560726-G-A.
Other names: c.2009C>T, p.Pro670Leu (NM_001025107.3, NM_001193495.2, NM_001365046.1 and 2 more transcripts); c.2921C>T, p.Pro974Leu (NM_001365045.1); c.1931C>T, p.Pro644Leu (NM_001365049.1); c.2816C>T, p.Pro939Leu (NM_015840.4); c.2759C>T, p.Pro920Leu (NM_015841.4); short protein forms P644L, P670L, P920L, P939L, P965L, P974L.
Identifiers: ClinVar variation 1723840 (VCV001723840.6), dbSNP rs2526488116, ClinGen allele CA342636194.
Genomic context (GRCh38, chr1:154,588,250, plus strand): 5'-TCTGTGCTTTCCATAGCACGGTCGCTGCAGGACTTGTCAAAGAGGGCGCCATCTCCACAC[G>A]GAGCAGTGCTGAAAAACAGGGGTGGCTGTTAAAACTCACCTGTGGGAAATCTGCAATTTC-3'
Protein context (NP_001102.3, residues 955-975): VSFHLYISTA[Pro965Leu]CGDGALFDKS